The following is an entry in ClinVar:

NM_024422.6(DSC2):c.588_592del (p.Cys197fs)

Gene: DSC2 (desmocollin 2; minus strand). Cytogenetic location: 18q12.1.
Variant type: Microsatellite.
Coding change: c.588_592del on transcript NM_024422.6 (MANE Select); coding-DNA positions 588 to 592, 5 bases deleted (TTGTA; older notation c.588_592delTTGTA).
Protein change: p.Cys197fs; shifts the reading frame from cysteine 197.
Molecular consequence: frameshift variant.
Genome position (GRCh38, 1-based): chr18:31,089,477-31,089,481, TACAA deleted on the plus strand (TTGTA on the coding strand, the reverse complement: DSC2 is on the minus strand); deleting any 5 consecutive bases within chr18:31,089,477-31,089,486 gives the same sequence; the c. name uses the placement nearest the transcript's 3' end. VCF-style (leftmost placement, unchanged base first): chr18-31089476-GTACAA-G. GRCh37 (hg19) VCF-style: chr18-28669439-GTACAA-G.
Other names: c.159_163del, p.Cys54fs (NM_001406506.1, NM_001406507.1); c.588_592del, p.Cys197fs (NM_004949.5); short protein forms C197fs, C54fs.
Identifiers: ClinVar variation 3071477 (VCV003071477.1), dbSNP rs2510953764, ClinGen allele CA2641389063.

ClinVar aggregate classification (germline): Uncertain significance (1 of 4 stars; one submission).

Conditions:
Familial isolated arrhythmogenic right ventricular dysplasia. Identifiers: Orphanet 217656, MedGen C4274968, MONDO:0016342.

Submission:

All of Us Research Program, National Institutes of Health
Classification: Uncertain significance for Familial isolated arrhythmogenic right ventricular dysplasia. Last evaluated: 2023-06-08. Review status: criteria provided, single submitter. Criteria: ACMG Guidelines, 2015. Collection method: clinical testing. Allele origin: germline. Inheritance: Autosomal dominant inheritance. Observed: 2 variant alleles, 2 heterozygotes.
Comment: This variant deletes 5 nucleotides in exon 5 of the DSC2 gene, creating a frameshift and premature translation stop signal. This variant is expected to result in an absent or non-functional protein product. To our knowledge, this variant has not been reported in individuals affected with cardiovascular disorders in the literature. This variant has not been identified in the general population by the Genome Aggregation Database (gnomAD). Although there is a suspicion for a pathogenic role, the clinical relevance of loss-of-function DSC2 truncation and splice variants in autosomal dominant arrhythmogenic cardiomyopathy is not yet clearly established. The available evidence is insufficient to determine the role of this variant in disease conclusively. Therefore, this variant is classified as a Variant of Uncertain Significance.

This study involves interpretation of variants in research participants for the purpose of population health screening. Participant phenotype was not available at the time of variant classification. Additional details can be found in publication PMID: 35346344, PMCID: PMC8962531